The following is an entry in ClinVar:

NM_022132.5(MCCC2):c.748G>A (p.Ala250Thr)

Gene: MCCC2 (methylcrotonyl-CoA carboxylase subunit 2; plus strand). Cytogenetic location: 5q13.2.
Variant type: single nucleotide variant.
Coding change: c.748G>A on transcript NM_022132.5 (MANE Select); coding-DNA position 748, G replaced by A.
Protein change: p.Ala250Thr; replaces alanine 250 with threonine.
Molecular consequence: missense variant.
Genome position (GRCh38, 1-based): chr5:71,632,130, G>A. VCF-style: chr5-71632130-G-A. GRCh37 (hg19) VCF-style: chr5-70927957-G-A.
Other names: c.634G>A, p.Ala212Thr (NM_001363147.1); short protein forms A212T, A250T.
Identifiers: ClinVar variation 2134250 (VCV002134250.1), dbSNP rs762924267, ClinGen allele CA3297881.
Genomic context (GRCh38, chr5:71,632,130, plus strand): 5'-TTTATATGTCTGATGGACCGATTTCACTGATGATTTTTATCCTTGTTGTAGGTTAAAGCG[G>A]CAACTGGGGAAGAAGTATCTGCTGAGGATCTTGGAGGTGCTGATCTTCATTGCAGGTGAA-3'
Protein context (NP_071415.1, residues 240-260): FLAGPPLVKA[Ala250Thr]TGEEVSAEDL

ClinVar aggregate classification (germline): Uncertain significance (1 of 4 stars; one submission).

Conditions:
3-methylcrotonyl-CoA carboxylase 2 deficiency. Also called: METHYLCROTONYLGLYCINURIA, TYPE II; 3 alpha methylcrotonyl-CoA carboxylase 2 deficiency; 3 alpha methylcrotonylglycinuria 2; MCC 2 deficiency; Methylcrotonylglycinuria type 2. Identifiers: Orphanet 6, MedGen C1859499, MONDO:0008862, OMIM 210210.

Allele frequency attached by ClinVar (database versions not stated): ExAC 0.00001.

Submission:

Labcorp Genetics (formerly Invitae), Labcorp
Classification: Uncertain significance for 3-methylcrotonyl-CoA carboxylase 2 deficiency. Last evaluated: 2022-07-22. Review status: criteria provided, single submitter. Criteria: Invitae Variant Classification Sherloc (09022015). Collection method: clinical testing. Allele origin: germline.
Comment: This sequence change replaces alanine, which is neutral and non-polar, with threonine, which is neutral and polar, at codon 250 of the MCCC2 protein (p.Ala250Thr). This variant is present in population databases (rs762924267, gnomAD 0.0009%). This variant has not been reported in the literature in individuals affected with MCCC2-related conditions. Advanced modeling of protein sequence and biophysical properties (such as structural, functional, and spatial information, amino acid conservation, physicochemical variation, residue mobility, and thermodynamic stability) performed at Invitae indicates that this missense variant is expected to disrupt MCCC2 protein function. In summary, the available evidence is currently insufficient to determine the role of this variant in disease. Therefore, it has been classified as a Variant of Uncertain Significance.